The following is an entry in ClinVar:

ClinVar aggregate classification (germline): Uncertain significance (1 of 4 stars; one submission).

Allele frequency attached by ClinVar (database versions not stated): gnomAD exomes below 0.00001; gnomAD 0.00001; TOPMed 0.00002.
gnomAD v4.1: 9 of 1,611,210 alleles (0.00056%); highest among the groups gnomAD compares: Admixed American, 0.0017%; 1 homozygote.

Submission:

Labcorp Genetics (formerly Invitae), Labcorp
Classification: Uncertain significance. Last evaluated: 2022-03-16. Review status: criteria provided, single submitter. Criteria: Invitae Variant Classification Sherloc (09022015). Collection method: clinical testing. Allele origin: germline.
Comment: In summary, the available evidence is currently insufficient to determine the role of this variant in disease. Therefore, it has been classified as a Variant of Uncertain Significance. This sequence change replaces proline, which is neutral and non-polar, with serine, which is neutral and polar, at codon 16 of the TRMT10C protein (p.Pro16Ser). This variant is not present in population databases (gnomAD no frequency). This variant has not been reported in the literature in individuals affected with TRMT10C-related conditions. Algorithms developed to predict the effect of missense changes on protein structure and function output the following: SIFT: "Tolerated"; PolyPhen-2: "Benign"; Align-GVGD: "Class C0". The serine amino acid residue is found in multiple mammalian species, which suggests that this missense change does not adversely affect protein function.

NM_017819.4(TRMT10C):c.46C>T (p.Pro16Ser)

Gene: TRMT10C (tRNA methyltransferase 10C, mitochondrial RNase P subunit; plus strand). Cytogenetic location: 3q12.3.
Variant type: single nucleotide variant.
Coding change: c.46C>T on transcript NM_017819.4 (MANE Select); coding-DNA position 46, C replaced by T.
Protein change: p.Pro16Ser; replaces proline 16 with serine.
Molecular consequence: missense variant.
Genome position (GRCh38, 1-based): chr3:101,564,827, C>T. VCF-style: chr3-101564827-C-T. GRCh37 (hg19) VCF-style: chr3-101283671-C-T.
Other names: short protein forms P16S.
Identifiers: ClinVar variation 2100078 (VCV002100078.4), dbSNP rs912525411, ClinGen allele CA79751294.